The following is an entry in ClinVar:

NM_001999.4(FBN2):c.7565T>C (p.Val2522Ala)

Gene: FBN2 (fibrillin 2; minus strand). Cytogenetic location: 5q23.3.
Variant type: single nucleotide variant.
Coding change: c.7565T>C on transcript NM_001999.4 (MANE Select); coding-DNA position 7565, T replaced by C.
Protein change: p.Val2522Ala; replaces valine 2522 with alanine.
Molecular consequence: missense variant.
Genome position (GRCh38, 1-based): chr5:128,276,067, A>G on the plus strand (T>C on the coding strand, the complement: FBN2 is on the minus strand). VCF-style: chr5-128276067-A-G. GRCh37 (hg19) VCF-style: chr5-127611759-A-G.
Other names: short protein forms V2522A.
Identifiers: ClinVar variation 263995 (VCV000263995.10), dbSNP rs886039005, ClinGen allele CA10587600.

ClinVar aggregate classification (germline): Uncertain significance. Review status: criteria provided, multiple submitters, no conflicts (2 of 4 stars). 3 submissions from 3 submitters: Uncertain significance (3). Last evaluated 2024-07-03.

Conditions:
Congenital contractural arachnodactyly (CCA). Also called: BEALS SYNDROME; Beals-Hecht syndrome; Arthrogryposis, distal, type 9. Identifiers: Orphanet 115, MedGen C0220668, MONDO:0007363, OMIM 121050.
Familial thoracic aortic aneurysm and aortic dissection (TAAD). Also called: Thoracic aortic aneurysms and dissections. Identifiers: Orphanet 91387, MedGen C4707243, MONDO:0019625.

Allele frequency attached by ClinVar (database versions not stated): gnomAD exomes below 0.00001; TOPMed below 0.00001; gnomAD 0.00001.
gnomAD v4.1: 3 of 1,613,790 alleles (0.00019%); highest among the groups gnomAD compares: Non-Finnish European, 0.00025%; no homozygotes.

Submissions (3):

Labcorp Genetics (formerly Invitae), Labcorp
Classification: Uncertain significance for Congenital contractural arachnodactyly. Last evaluated: 2024-07-03. Review status: criteria provided, single submitter. Criteria: Invitae Variant Classification Sherloc (09022015). Collection method: clinical testing. Allele origin: germline.
Comment: This sequence change replaces valine, which is neutral and non-polar, with alanine, which is neutral and non-polar, at codon 2522 of the FBN2 protein (p.Val2522Ala). This variant is present in population databases (no rsID available, gnomAD 0.007%). This variant has not been reported in the literature in individuals affected with FBN2-related conditions. ClinVar contains an entry for this variant (Variation ID: 263995). Advanced modeling of protein sequence and biophysical properties (such as structural, functional, and spatial information, amino acid conservation, physicochemical variation, residue mobility, and thermodynamic stability) performed at Invitae indicates that this missense variant is not expected to disrupt FBN2 protein function with a negative predictive value of 80%. In summary, the available evidence is currently insufficient to determine the role of this variant in disease. Therefore, it has been classified as a Variant of Uncertain Significance.

Ambry Genetics
Classification: Uncertain significance for Familial thoracic aortic aneurysm and aortic dissection. Last evaluated: 2023-04-18. Review status: criteria provided, single submitter. Criteria: Ambry Variant Classification Scheme 2023. Collection method: clinical testing. Allele origin: germline.
Comment: The p.V2522A variant (also known as c.7565T>C), located in coding exon 59 of the FBN2 gene, results from a T to C substitution at nucleotide position 7565. The valine at codon 2522 is replaced by alanine, an amino acid with similar properties. This amino acid position is not well conserved in available vertebrate species. In addition, the in silico prediction for this alteration is inconclusive. Since supporting evidence is limited at this time, the clinical significance of this alteration remains unclear.

GeneDx
Classification: Uncertain significance. Last evaluated: 2021-06-10. Review status: criteria provided, single submitter. Criteria: GeneDx Variant Classification Process June 2021. Collection method: clinical testing. Allele origin: germline. Affected: yes.
Comment: Has not been previously published as pathogenic or benign to our knowledge; Not observed at significant frequency in large population cohorts (Lek et al., 2016); In silico analysis supports that this missense variant has a deleterious effect on protein structure/function; Although located in a calcium-binding EGF-like domain of the FBN2 gene, it does not affect a cysteine residue within this domain; cysteine substitutions in the calcium-binding EGF-like domains represent the majority of pathogenic missense changes associated with FBN2-related disorders (Frederic et al., 2009).; Reported in ClinVar as a variant of uncertain significance (ClinVar Variant ID# 263995; Landrum et al., 2016); This variant is associated with the following publications: (PMID: 26582918, 27535533, 18767143)